The following is an entry in ClinVar:

NM_024426.6(WT1):c.368C>A (p.Ser123Ter)

Genes: WT1 (WT1 transcription factor; minus strand), LOC107982234 (WT1/WT1-AS bi-directional promoter region; plus strand). Cytogenetic location: 11p13.
Variant type: single nucleotide variant.
Coding change: c.368C>A on transcript NM_024426.6 (MANE Select); coding-DNA position 368, C replaced by A.
Protein change: p.Ser123Ter; replaces serine 123 with a stop codon.
Molecular consequence: nonsense. On other transcripts: non-coding transcript variant (2).
Genome position (GRCh38, 1-based): chr11:32,434,993, G>T on the plus strand (C>A on the coding strand, the complement: WT1 is on the minus strand). VCF-style: chr11-32434993-G-T. GRCh37 (hg19) VCF-style: chr11-32456539-G-T.
Other names: c.368C>A, p.Ser123Ter (NM_000378.6, NM_001407044.1, NM_001407045.1 and 6 more transcripts); c.353C>A, p.Ser118Ter (NM_024425.2); short protein forms S118*, S123*.
Identifiers: ClinVar variation 2925477 (VCV002925477.3), dbSNP rs2133104248, ClinGen allele CA379965837.

ClinVar aggregate classification (germline): Pathogenic (1 of 4 stars; one submission).

Conditions:
Wilms tumor 1 (WT1). Also called: Wilms tumor, somatic. Identifiers: Orphanet 654, MedGen CN033288, MONDO:0008679, OMIM 194070.
Drash syndrome (DDS). Also called: NEPHROPATHY, WILMS TUMOR, AND GENITAL ANOMALIES; WILMS TUMOR AND PSEUDO- OR TRUE HERMAPHRODITISM. Identifiers: Orphanet 220, MedGen C0950121, MONDO:0008682, OMIM 194080.
Frasier syndrome. Identifiers: Orphanet 347, MedGen C0950122, MeSH D052159, MONDO:0007635, OMIM 136680.
11p partial monosomy syndrome (WAGR). Also called: CHROMOSOME 11p13 DELETION SYNDROME; WAGR Spectrum Disorder; WAGR syndrome; WAGR Complex. Identifiers: Orphanet 893, MedGen C0206115, MONDO:0008681, OMIM 194072.

Submission:

Labcorp Genetics (formerly Invitae), Labcorp
Classification: Pathogenic for Wilms tumor 1; Drash syndrome; 11p partial monosomy syndrome; Frasier syndrome. Last evaluated: 2023-12-10. Review status: criteria provided, single submitter. Criteria: Invitae Variant Classification Sherloc (09022015). Collection method: clinical testing. Allele origin: germline.
Comment: This sequence change creates a premature translational stop signal (p.Ser118*) in the WT1 gene. It is expected to result in an absent or disrupted protein product. Loss-of-function variants in WT1 are known to be pathogenic (PMID: 15150775). This variant is not present in population databases (gnomAD no frequency). This premature translational stop signal has been observed in individual(s) with Wilms tumor (PMID: 17551084). This variant is also known as p.S50X. For these reasons, this variant has been classified as Pathogenic.

Literature cited by the submitters: PubMed 15150775; PubMed 17551084.